The following is an entry in ClinVar:

ClinVar aggregate classification (germline): Uncertain significance (1 of 4 stars; one submission).

Submission:

Labcorp Genetics (formerly Invitae), Labcorp
Classification: Uncertain significance. Last evaluated: 2025-07-16. Review status: criteria provided, single submitter. Criteria: Invitae Variant Classification Sherloc (09022015). Collection method: clinical testing. Allele origin: germline.
Comment: This sequence change replaces arginine, which is basic and polar, with tryptophan, which is neutral and slightly polar, at codon 257 of the FLI1 protein (p.Arg257Trp). This variant is present in population databases (rs543480265, gnomAD 0.05%), and has an allele count higher than expected for a pathogenic variant. This variant has not been reported in the literature in individuals affected with FLI1-related conditions. Invitae Evidence Modeling of protein sequence and biophysical properties (such as structural, functional, and spatial information, amino acid conservation, physicochemical variation, residue mobility, and thermodynamic stability) indicates that this missense variant is not expected to disrupt FLI1 protein function with a negative predictive value of 80%. In summary, the available evidence is currently insufficient to determine the role of this variant in disease. Therefore, it has been classified as a Variant of Uncertain Significance.

NM_002017.5(FLI1):c.769C>T (p.Arg257Trp)

Gene: FLI1 (Fli-1 proto-oncogene, ETS transcription factor; plus strand). Cytogenetic location: 11q24.3.
Variant type: single nucleotide variant.
Coding change: c.769C>T on transcript NM_002017.5 (MANE Select); coding-DNA position 769, C replaced by T.
Protein change: p.Arg257Trp; replaces arginine 257 with tryptophan.
Molecular consequence: missense variant. On other transcripts: intron variant (1).
Genome position (GRCh38, 1-based): chr11:128,807,227, C>T. VCF-style: chr11-128807227-C-T. GRCh37 (hg19) VCF-style: chr11-128677122-C-T.
Other names: c.670C>T, p.Arg224Trp (NM_001167681.3, NM_001440369.1, NM_001440370.1 and 1 more transcripts); c.571C>T, p.Arg191Trp (NM_001271010.2); c.190C>T, p.Arg64Trp (NM_001271012.2); c.656-1930C>T (NM_001440372.1); short protein forms R224W, R257W, R191W, R64W.
Identifiers: ClinVar variation 4780656 (VCV004780656.1).
Genomic context (GRCh38, chr11:128,807,227, plus strand): 5'-CCTCTTGCCACAGGTCCTCCCCTTGGAGGGGCACAAACGATCAGTAAGAATACAGAGCAA[C>T]GGCCCCAGCCAGGTACCTGCCCAGGATATGTAATCTCTCCTTTGCTTCCTGCACAGTTGT-3'
Protein context (NP_002008.2, residues 247-267): AQTISKNTEQ[Arg257Trp]PQPDPYQILG